The following is an entry in ClinVar:

ClinVar aggregate classification (germline): Pathogenic (1 of 4 stars; one submission).

Conditions:
Cardiovascular phenotype. Identifiers: MedGen CN230736.

Submission:

Ambry Genetics
Classification: Pathogenic for Cardiovascular phenotype. Last evaluated: 2022-03-23. Review status: criteria provided, single submitter. Criteria: Ambry Variant Classification Scheme 2023. Collection method: clinical testing. Allele origin: germline.
Comment: The c.1742delC variant, located in coding exon 7 of the KCNH2 gene, results from a deletion of one nucleotide at nucleotide position 1742, causing a translational frameshift with a predicted alternate stop codon (p.S581Yfs*13). This variant is considered to be rare based on population cohorts in the Genome Aggregation Database (gnomAD). This alteration is expected to result in loss of function by premature protein truncation or nonsense-mediated mRNA decay. As such, this alteration is interpreted as a disease-causing mutation.

NM_000238.4(KCNH2):c.1742del (p.Ser581fs)

Gene: KCNH2 (potassium voltage-gated channel subfamily H member 2; minus strand). Cytogenetic location: 7q36.1.
Variant type: Deletion.
Coding change: c.1742del on transcript NM_000238.4 (MANE Select); coding-DNA position 1742, one base deleted (C; older notation c.1742delC).
Protein change: p.Ser581fs; shifts the reading frame from serine 581.
Molecular consequence: frameshift variant.
Genome position (GRCh38, 1-based): chr7:150,951,651, G deleted on the plus strand (C on the coding strand, the reverse complement: KCNH2 is on the minus strand). VCF-style (leftmost placement, unchanged base first): chr7-150951650-TG-T. GRCh37 (hg19) VCF-style: chr7-150648738-TG-T.
Other names: c.722del, p.Ser241fs (NM_001204798.2, NM_172057.3); c.1454delC, p.Ser485Tyrfs (NM_001406753.1, NM_001406756.1); c.1565delC, p.Ser522Tyrfs (NM_001406755.1); c.1442delC, p.Ser481Tyrfs (NM_001406757.1); c.1742delC, p.Ser581Tyrfs (NM_172056.3); short protein forms S581fs, S241fs.
Identifiers: ClinVar variation 1779222 (VCV001779222.2), dbSNP rs2476547379, ClinGen allele CA2580077801.
Genomic context (GRCh38, chr7:150,951,650, plus strand): 5'-GCCGCTGCTGTTGTAGGGTTTGCCTATCTGGTCGCCCAGGTTGTGCAGCCAGCCGATGCG[TG>T]AGTCCATGTGTGGCTGCTCCATGTTGCCGATGGCGTACCAGATGCAGGCTAGCCAGTGCG-3'